The following is an entry in ClinVar:

NM_001173990.3(TMEM216):c.253C>T (p.Arg85Ter)

Gene: TMEM216 (transmembrane protein 216; plus strand). Cytogenetic location: 11q12.2.
Variant type: single nucleotide variant.
Coding change: c.253C>T on transcript NM_001173990.3 (MANE Select); coding-DNA position 253, C replaced by T.
Protein change: p.Arg85Ter; replaces arginine 85 with a stop codon.
Molecular consequence: nonsense.
Genome position (GRCh38, 1-based): chr11:61,397,797, C>T. VCF-style: chr11-61397797-C-T. GRCh37 (hg19) VCF-style: chr11-61165269-C-T.
Other names: p.Arg85*; c.253C>T, p.Arg85Ter (NM_001173991.3); c.70C>T, p.Arg24Ter (NM_001330285.2, NM_016499.6); c.253C>T (NM_001173991.2); short protein forms R24*, R85*.
Identifiers: ClinVar variation 56384 (VCV000056384.69), dbSNP rs11230683, ClinGen allele CA144308.

ClinVar aggregate classification (germline): Pathogenic. Review status: criteria provided, multiple submitters, no conflicts (2 of 4 stars). 14 submissions from 14 submitters: Pathogenic (12). 2 of the submissions do not count toward it. Last evaluated 2026-08-23.

Conditions:
Joubert syndrome 2 (JBTS2). Also called: CEREBELLOOCULORENAL SYNDROME 2. Identifiers: Orphanet 2318, MedGen C1842577, MONDO:0011963, OMIM 608091.
Meckel syndrome, type 2 (MKS2). Also called: MKS2-Related Meckel Syndrome; MECKEL-GRUBER SYNDROME, TYPE 2. Identifiers: Orphanet 564, MedGen C1864148, MONDO:0011296, OMIM 603194.
TMEM216-related disorder. Also called: TMEM216-related disorders; TMEM216-related condition.
Joubert syndrome. Also called: Familial aplasia of the vermis; JOUBERT-BOLTSHAUSER SYNDROME. Identifiers: Orphanet 475, MedGen C5979921, MONDO:0018772.

Allele frequency attached by ClinVar (database versions not stated): TOPMed 0.00008; ESP Exome Variant Server 0.00016.
gnomAD v4.1: 238 of 1,613,372 alleles (0.015%); highest among the groups gnomAD compares: Non-Finnish European, 0.018%; no homozygotes.

Submissions (14):

PreventionGenetics, part of Exact Sciences
Classification: Pathogenic for TMEM216-related condition. Last evaluated: 2026-08-23. Review status: criteria provided, single submitter. Criteria: ACMG Guidelines, 2015. Collection method: clinical testing. Allele origin: germline.
Comment: The TMEM216 c.253C>T variant is predicted to result in premature protein termination (p.Arg85*). This variant has been reported in the homozygous state in two fetuses with Meckel-Gruber syndrome from one family (Valente et al 2010. PubMed ID: 20512146). This variant has also been reported in the homozygous or heterozygous states in individuals with Joubert syndrome (Bachmann-Gagescu et al. 2015. PubMed ID: 26092869. Table S5; Summers et al. 2017. PubMed ID: 28497568. Table S2; Szymanska et al. 2012. PubMed ID: 23351400). This variant is reported in 0.020% of alleles in individuals of Latino descent in gnomAD. Nonsense variants in TMEM216 are expected to be pathogenic. This variant is interpreted as pathogenic.

Natera, Inc.
Classification: Pathogenic for Joubert syndrome type 2. Last evaluated: 2025-07-28. Review status: criteria provided, single submitter. Criteria: Natera Variant Classification Schema (03/2026). Collection method: clinical testing. Allele origin: germline.
Comment: The c.253C>T variant in TMEM216 is a nonsense variant predicted to introduce a stop codon at amino acid 85. This variant is expected to result in nonsense mediated decay, truncation, or a dysfunctional protein product. This variant is rare in the general population with a frequency below the threshold expected for the associated phenotype(s). This variant has been observed in one or more individuals affected with the associated recessive disease, as either homozygous or compound heterozygous with a second variant (PMID: 23351400, 29146704). Given the available evidence, this variant is classified as Pathogenic.

Labcorp Genetics (formerly Invitae), Labcorp
Classification: Pathogenic for Joubert syndrome. Last evaluated: 2025-01-07. Review status: criteria provided, single submitter. Criteria: Invitae Variant Classification Sherloc (09022015). Collection method: clinical testing. Allele origin: germline.
Comment: This sequence change creates a premature translational stop signal (p.Arg85*) in the TMEM216 gene. It is expected to result in an absent or disrupted protein product. Loss-of-function variants in TMEM216 are known to be pathogenic (PMID: 20512146). This variant is present in population databases (rs11230683, gnomAD 0.02%). This premature translational stop signal has been observed in individual(s) with Meckel syndrome or Joubert syndrome (PMID: 20512146, 23351400, 26092869, 28497568). ClinVar contains an entry for this variant (Variation ID: 56384). For these reasons, this variant has been classified as Pathogenic.

Baylor Genetics
Classification: Pathogenic for Joubert syndrome 2. Last evaluated: 2024-03-21. Review status: criteria provided, single submitter. Criteria: ACMG Guidelines, 2015. Collection method: clinical testing. Allele origin: unknown.

Fulgent Genetics
Classification: Pathogenic for Meckel syndrome, type 2; Joubert syndrome 2. Last evaluated: 2024-02-28. Review status: criteria provided, single submitter. Criteria: ACMG Guidelines, 2015. Collection method: clinical testing. Allele origin: germline.

Mayo Clinic Laboratories, Mayo Clinic
Classification: Pathogenic. Last evaluated: 2023-06-13. Review status: criteria provided, single submitter. Criteria: ACMG Guidelines, 2015. Collection method: clinical testing. Allele origin: germline. Observed: 2 variant alleles.
Comment: PM2, PS3, PVS1

GeneDx
Classification: Pathogenic. Last evaluated: 2023-01-27. Review status: criteria provided, single submitter. Criteria: GeneDx Variant Classification Process June 2021. Collection method: clinical testing. Allele origin: germline. Affected: yes.
Comment: Observed in the heterozygous state with another variant in the TMEM216 gene in a patient with Joubert syndrome in published literature; however, it is unknown whether the two variants were present in cis or trans (Bachmann-Gagescu et al., 2015; Summers et al., 2017); Nonsense variant predicted to result in protein truncation or nonsense mediated decay in a gene for which loss-of-function is a known mechanism of disease; This variant is associated with the following publications: (PMID: 20512146, 21068128, 23351400, 26092869, 28497568, 31589614)

Blueprint Genetics
Classification: Pathogenic for TMEM216-related disorders. Last evaluated: 2022-11-28. Review status: criteria provided, single submitter. Criteria: ACMG Guidelines, 2015. Collection method: clinical testing. Allele origin: germline. Affected: yes. Observed: 5 variant alleles.

Illumina Laboratory Services, Illumina
Classification: Pathogenic for TMEM216-Related Disorders. Last evaluated: 2018-10-11. Review status: criteria provided, single submitter. Criteria: ICSL Variant Classification Criteria 09 May 2019. Collection method: clinical testing. Allele origin: germline.
Comment: The TMEM216 c.253C>T (p.Arg85Ter) variant is a stop-gained variant predicted to result in premature termination of the protein. The p.Arg85Ter variant has been reported in at least two studies in which it is found in at least three individuals, including two siblings with Meckel syndrome who carried the variant in a homozygous state and one individual with Joubert syndrome who carried the variant in a compound heterozygous state (Valente et al. 2010; Bachmann-Gogescu et al. 2015). The p.Arg85Ter variant was absent from 500 controls, but is reported at a frequency of 0.00003 in the total population from the Exome Aggregation Consortium. In fibroblasts that were homozygous for the p.Arg85Ter variant, there was failure of ciliogenesis after 48h compared to controls (Valente et al. 2010). Further, this variant protein was not observed at the base of cilia in kidney cells, whereas wild type protein was observed at this location. Based on the evidence and the potential impact of stop-gained variants, the p.Arg85Ter variant is classified as pathogenic for TMEM216-related disorders. This variant was observed by ICSL as part of a predisposition screen in an ostensibly healthy population.

Women's Health and Genetics/Laboratory Corporation of America, LabCorp
Classification: Pathogenic for Joubert syndrome 2. Last evaluated: 2018-06-05. Review status: criteria provided, single submitter. Criteria: LabCorp Variant Classification Summary - May 2015. Collection method: clinical testing. Allele origin: germline.
Comment: Variant summary: TMEM216 c.253C>T (p.Arg85X) results in a premature termination codon, predicted to cause a truncation of the encoded protein or absence of the protein due to nonsense mediated decay, which are commonly known mechanisms for disease. The variant allele was found at a frequency of 8.7e-05 in 276782 control chromosomes. This frequency is not higher than expected for a pathogenic variant in TMEM216 causing Joubert Syndrome 2 (8.7e-05 vs 0.0039), allowing no conclusion about variant significance. c.253C>T has been reported in the literature in individuals affected with Meckel syndrome 2 or Joubert Syndrome 2 (Valente 2010, Summers 2017). These data indicate that the variant is likely to be associated with disease. At least one publication reports experimental evidence evaluating an impact on protein function, demonstrating the loss of protein expression and a failure in ciliogenesis and centrosome docking (Valente 2010). The most pronounced variant effect results in <10% of normal activity. One clinical diagnostic laboratory has submitted clinical-significance assessments for this variant to ClinVar after 2014 without evidence for independent evaluation, and classified the variant as pathogenic. Based on the evidence outlined above, the variant was classified as pathogenic.

Genetic Services Laboratory, University of Chicago
Classification: Pathogenic. Last evaluated: 2017-07-24. Review status: criteria provided, single submitter. Criteria: ACMG Guidelines, 2015. Collection method: clinical testing. Allele origin: germline. Affected: yes.

UW Hindbrain Malformation Research Program, University of Washington
Classification: Pathogenic for Joubert syndrome 2. Last evaluated: 2015-02-23. Review status: criteria provided, single submitter. Criteria: Bachmann-Gagescu et al. (J Med Genet. 2015). Collection method: research. Allele origin: unknown. Affected: yes.

Counsyl
Classification: Likely pathogenic for Meckel syndrome, type 2; Joubert syndrome 2. Last evaluated: 2014-01-02. Review status: no assertion criteria provided. Collection method: clinical testing. Allele origin: unknown. Not counted in ClinVar's aggregate classification.

Juha Muilu Group; Institute for Molecular Medicine Finland (FIMM)
Classification: Likely pathogenic for Meckel syndrome type 2. Review status: no assertion criteria provided. Collection method: not provided. Allele origin: unknown. Not counted in ClinVar's aggregate classification.
Comment: FinDis database variant: This variant was not found or characterized by our laboratory, data were collected from public sources: see reference
ClinVar note: Converted during submission from probable-pathogenic to Likely pathogenic.

Literature cited by the submitters: PubMed 23351400 (cited by 4 submitters); PubMed 29146704 (cited by Natera, Inc.); PubMed 20512146 (cited by 4 submitters); PubMed 26092869 (cited by Labcorp Genetics (formerly Invitae), Labcorp and Illumina Laboratory Services, Illumina); PubMed 28497568 (cited by Labcorp Genetics (formerly Invitae), Labcorp and Women's Health and Genetics/Laboratory Corporation of America, LabCorp).